The following is an entry in ClinVar:

NM_001899.3(CST4):c.45G>A (p.Leu15=)

Gene: CST4 (cystatin S; minus strand). Cytogenetic location: 20p11.21.
Variant type: single nucleotide variant.
Coding change: c.45G>A on transcript NM_001899.3 (MANE Select); coding-DNA position 45, G replaced by A.
Protein change: p.Leu15=; no amino-acid change (leucine 15 retained).
Molecular consequence: synonymous variant.
Genome position (GRCh38, 1-based): chr20:23,688,925, C>T on the plus strand (G>A on the coding strand, the complement: CST4 is on the minus strand). VCF-style: chr20-23688925-C-T. GRCh37 (hg19) VCF-style: chr20-23669562-C-T.
Identifiers: ClinVar variation 2652245 (VCV002652245.24), dbSNP rs760672299, ClinGen allele CA9790551.

ClinVar aggregate classification (germline): Likely benign (1 of 4 stars; one submission).

Allele frequency attached by ClinVar (database versions not stated): ExAC 0.00001; 1000 Genomes Project 30x 0.00016.

Submission:

CeGaT Center for Human Genetics Tuebingen
Classification: Likely benign. Last evaluated: 2022-12-01. Review status: criteria provided, single submitter. Criteria: CeGaT Center For Human Genetics Tuebingen Variant Classification Criteria Version 2. Collection method: clinical testing. Allele origin: germline. Affected: yes. Observed: 1 variant allele.
Comment: CST4: BP4, BP7